The following is an entry in ClinVar:

ClinVar aggregate classification (germline): Uncertain significance (1 of 4 stars; one submission).

Allele frequency attached by ClinVar (database versions not stated): gnomAD exomes 0.00001.
gnomAD v4.1: 10 of 1,614,078 alleles (0.00062%); highest among the groups gnomAD compares: Non-Finnish European, 0.00085%; no homozygotes.

Submission:

Labcorp Genetics (formerly Invitae), Labcorp
Classification: Uncertain significance. Last evaluated: 2024-05-28. Review status: criteria provided, single submitter. Criteria: Invitae Variant Classification Sherloc (09022015). Collection method: clinical testing. Allele origin: germline.
Comment: This sequence change replaces histidine, which is basic and polar, with arginine, which is basic and polar, at codon 288 of the MSH3 protein (p.His288Arg). This variant is not present in population databases (gnomAD no frequency). This variant has not been reported in the literature in individuals affected with MSH3-related conditions. ClinVar contains an entry for this variant (Variation ID: 1370399). An algorithm developed to predict the effect of missense changes on protein structure and function (PolyPhen-2) suggests that this variant is likely to be disruptive. In summary, the available evidence is currently insufficient to determine the role of this variant in disease. Therefore, it has been classified as a Variant of Uncertain Significance.

NM_002439.5(MSH3):c.863A>G (p.His288Arg)

Gene: MSH3 (mutS homolog 3; plus strand). Cytogenetic location: 5q14.1.
Variant type: single nucleotide variant.
Coding change: c.863A>G on transcript NM_002439.5 (MANE Select); coding-DNA position 863, A replaced by G.
Protein change: p.His288Arg; replaces histidine 288 with arginine.
Molecular consequence: missense variant.
Genome position (GRCh38, 1-based): chr5:80,672,314, A>G. VCF-style: chr5-80672314-A-G. GRCh37 (hg19) VCF-style: chr5-79968133-A-G.
Other names: short protein forms H288R.
Identifiers: ClinVar variation 1370399 (VCV001370399.6), dbSNP rs2112813827, ClinGen allele CA360267207.